The following is an entry in ClinVar:

ClinVar aggregate classification (germline): Uncertain significance (1 of 4 stars; one submission).

Conditions:
Cortical dysplasia-focal epilepsy syndrome (PTHSL1). Also called: Pitt-Hopkins-like syndrome 1. Identifiers: Orphanet 163681, Orphanet 221150, MedGen C2750246, MONDO:0012400, OMIM 610042.

gnomAD v4.1: 7 of 1,550,144 alleles (0.00045%); highest among the groups gnomAD compares: African/African-American, 0.0014%; no homozygotes.

Submission:

Labcorp Genetics (formerly Invitae), Labcorp
Classification: Uncertain significance for Cortical dysplasia-focal epilepsy syndrome. Last evaluated: 2022-04-04. Review status: criteria provided, single submitter. Criteria: Invitae Variant Classification Sherloc (09022015). Collection method: clinical testing. Allele origin: germline.
Comment: This sequence change replaces glutamine, which is neutral and polar, with glutamic acid, which is acidic and polar, at codon 33 of the CNTNAP2 protein (p.Gln33Glu). This variant is present in population databases (no rsID available, gnomAD 0.002%). This variant has not been reported in the literature in individuals affected with CNTNAP2-related conditions. Algorithms developed to predict the effect of missense changes on protein structure and function (SIFT, PolyPhen-2, Align-GVGD) all suggest that this variant is likely to be tolerated. In summary, the available evidence is currently insufficient to determine the role of this variant in disease. Therefore, it has been classified as a Variant of Uncertain Significance.

NM_014141.6(CNTNAP2):c.97C>G (p.Gln33Glu)

Gene: CNTNAP2 (contactin associated protein 2; plus strand). Cytogenetic location: 7q35.
Variant type: single nucleotide variant.
Coding change: c.97C>G on transcript NM_014141.6 (MANE Select); coding-DNA position 97, C replaced by G.
Protein change: p.Gln33Glu; replaces glutamine 33 with glutamic acid.
Molecular consequence: missense variant.
Genome position (GRCh38, 1-based): chr7:146,116,973, C>G. VCF-style: chr7-146116973-C-G. GRCh37 (hg19) VCF-style: chr7-145814065-C-G.
Other names: short protein forms Q33E.
Identifiers: ClinVar variation 2121345 (VCV002121345.4), dbSNP rs794726938, ClinGen allele CA369922169.
Genomic context (GRCh38, chr7:146,116,973, plus strand): 5'-CTCCTGCTGTGGATTGTCAGCAGCTGCCTCTGCAGAGCCTGGACGGCTCCCTCCACGTCC[C>G]GTAAGTAGCCGTCTCCTCGCTCTGCTCTGGAGCAGTTTCAGTGCGGCATTGATGTTTGGC-3'
Protein context (NP_054860.1, residues 23-43): CRAWTAPSTS[Gln33Glu]KCDEPLVSGL